The following is an entry in ClinVar:

ClinVar aggregate classification (germline): Pathogenic (1 of 4 stars; one submission).

Conditions:
Duchenne muscular dystrophy (DMD). Also called: MUSCULAR DYSTROPHY, PSEUDOHYPERTROPHIC PROGRESSIVE, DUCHENNE TYPE; Duchenne Muscular Dystrophy (DMD). Identifiers: Orphanet 98896, MedGen C0013264, MONDO:0010679, OMIM 310200.

Submission:

Labcorp Genetics (formerly Invitae), Labcorp
Classification: Pathogenic for Duchenne muscular dystrophy. Last evaluated: 2017-01-05. Review status: criteria provided, single submitter. Criteria: Invitae Variant Classification Sherloc (09022015). Collection method: clinical testing. Allele origin: germline.
Comment: This variant is a gross deletion of the genomic region encompassing exons 3-11 of the DMD gene. This out-of-frame deletion creates a premature translational stop signal and is expected to result in an absent or disrupted protein product. Truncating variants in DMD are known to be pathogenic. A deletion encompassing the same exons has been reported in the literature in an individual affected with Becker muscular dystrophy (PMID: 18348289) and an individual affected with a phenotype intermediate between Duchenne and Becker muscular dystrophy (PMID: 25482253). For these reasons, this variant has been classified as Pathogenic.

NC_000023.11:g.(?_32644132)_(32849820_?)del

Gene: DMD (dystrophin; minus strand). Cytogenetic location: Xp21.1.
Variant type: Deletion.
Identifiers: ClinVar variation 417484 (VCV000417484.1).